The following is an entry in ClinVar:

NM_001048174.2(MUTYH):c.110G>A (p.Cys37Tyr)

Gene: MUTYH (mutY DNA glycosylase; minus strand). Cytogenetic location: 1p34.1.
Variant type: single nucleotide variant.
Coding change: c.110G>A on transcript NM_001048174.2 (MANE Select); coding-DNA position 110, G replaced by A.
Protein change: p.Cys37Tyr; replaces cysteine 37 with tyrosine.
Molecular consequence: missense variant. On other transcripts: 5 prime UTR variant (4), non-coding transcript variant (2).
Genome position (GRCh38, 1-based): chr1:45,334,396, C>T on the plus strand (G>A on the coding strand, the complement: MUTYH is on the minus strand). VCF-style: chr1-45334396-C-T. GRCh37 (hg19) VCF-style: chr1-45800068-C-T.
Other names: c.110G>A, p.Cys37Tyr (NM_001048171.2, NM_001048172.2, NM_001048173.2 and 2 more transcripts); c.152G>A, p.Cys51Tyr (NM_001128425.2, NM_001293190.2, NM_012222.3); c.-103G>A (NM_001293192.2, NM_001293196.2); c.-162G>A (NM_001350650.2); c.-98G>A (NM_001350651.2); short protein forms C51Y, C37Y.
Identifiers: ClinVar variation 1389770 (VCV001389770.7), dbSNP rs1476095647, ClinGen allele CA340136941.

ClinVar aggregate classification (germline): Uncertain significance. Review status: criteria provided, multiple submitters, no conflicts (2 of 4 stars). 2 submissions from 2 submitters: Uncertain significance (2). Last evaluated 2024-04-29.

Conditions:
Familial adenomatous polyposis 2. Also called: Adenomas, multiple colorectal; MYH-associated polyposis; COLORECTAL ADENOMATOUS POLYPOSIS, AUTOSOMAL RECESSIVE; ADENOMAS, MULTIPLE COLORECTAL, AUTOSOMAL RECESSIVE; FAP type 2; MUTYH Polyposis. Identifiers: Orphanet 220460, Orphanet 247798, MedGen C3272841, MONDO:0012041, OMIM 608456.

Allele frequency attached by ClinVar (database versions not stated): gnomAD exomes 0.00001.
gnomAD v4.1: 3 of 1,614,136 alleles (0.00019%); highest among the groups gnomAD compares: South Asian, 0.0033%; no homozygotes.

Submissions (2):

Labcorp Genetics (formerly Invitae), Labcorp
Classification: Uncertain significance for Familial adenomatous polyposis 2. Last evaluated: 2024-04-29. Review status: criteria provided, single submitter. Criteria: Invitae Variant Classification Sherloc (09022015). Collection method: clinical testing. Allele origin: germline.
Comment: This sequence change replaces cysteine, which is neutral and slightly polar, with tyrosine, which is neutral and polar, at codon 51 of the MUTYH protein (p.Cys51Tyr). This variant is present in population databases (no rsID available, gnomAD 0.006%). This variant has not been reported in the literature in individuals affected with MUTYH-related conditions. ClinVar contains an entry for this variant (Variation ID: 1389770). An algorithm developed to predict the effect of missense changes on protein structure and function (PolyPhen-2) suggests that this variant is likely to be tolerated. In summary, the available evidence is currently insufficient to determine the role of this variant in disease. Therefore, it has been classified as a Variant of Uncertain Significance.

All of Us Research Program, National Institutes of Health
Classification: Uncertain significance for Familial adenomatous polyposis 2. Last evaluated: 2023-05-16. Review status: criteria provided, single submitter. Criteria: ACMG Guidelines, 2015. Collection method: clinical testing. Allele origin: germline. Inheritance: Autosomal recessive inheritance. Observed: 1 variant allele, 1 heterozygote.
Comment: This missense variant replaces cysteine with tyrosine at codon 51 of the MUTYH protein. Computational prediction suggests that this variant may not impact protein structure and function (internally defined REVEL score threshold <= 0.5, PMID: 27666373). To our knowledge, functional studies have not been reported for this variant. This variant has not been reported in individuals affected with MUTYH-related disorders in the literature. This variant has been identified in 2/251446 chromosomes in the general population by the Genome Aggregation Database (gnomAD). The available evidence is insufficient to determine the role of this variant in disease conclusively. Therefore, this variant is classified as a Variant of Uncertain Significance.

This study involves interpretation of variants in research participants for the purpose of population health screening. Participant phenotype was not available at the time of variant classification. Additional details can be found in publication PMID: 35346344, PMCID: PMC8962531